The following is an entry in ClinVar:

ClinVar aggregate classification (germline): Conflicting classifications of pathogenicity. Review status: criteria provided, conflicting classifications (1 of 4 stars). 5 submissions from 4 submitters: Uncertain significance (1); Benign (1); Likely benign (3). Last evaluated 2026-09-01.

Conditions:
WDR19-related disorder. Also called: WDR19-related disorders; WDR19-related condition. Identifiers: MedGen CN380161.
Cranioectodermal dysplasia 4 (CED4). Identifiers: Orphanet 1515, MedGen C3280616, MONDO:0013719, OMIM 614378.
Asphyxiating thoracic dystrophy 5 (SRTD5). Also called: SHORT-RIB THORACIC DYSPLASIA 5 WITH OR WITHOUT POLYDACTYLY; SHORT-RIB THORACIC DYSPLASIA 5 WITHOUT POLYDACTYLY. Identifiers: Orphanet 474, MedGen C3280598, MONDO:0013717, OMIM 614376.
Senior-Loken syndrome 8 (SLSN8). Identifiers: Orphanet 3156, MedGen C4225376, MONDO:0014579, OMIM 616307.

Allele frequency attached by ClinVar (database versions not stated): gnomAD 0.00011 and 0.00010; 1000 Genomes Project 0.00020; ExAC 0.00028; gnomAD exomes 0.00033 and 0.00005; TOPMed 0.00010.
gnomAD v4.1: 94 of 1,613,260 alleles (0.0058%); highest among the groups gnomAD compares: East Asian, 0.19%; no homozygotes.

Submissions (5):

PreventionGenetics, part of Exact Sciences
Classification: Likely benign for WDR19-related condition. Last evaluated: 2026-09-01. Review status: criteria provided, single submitter. Criteria: ACMG Guidelines, 2015. Collection method: clinical testing. Allele origin: germline.
Comment: This variant is classified as likely benign based on ACMG/AMP sequence variant interpretation guidelines (Richards et al. 2015 PMID: 25741868, with internal and published modifications).

Labcorp Genetics (formerly Invitae), Labcorp
Classification: Likely benign for Senior-Loken syndrome 8; Asphyxiating thoracic dystrophy 5. Last evaluated: 2025-09-22. Review status: criteria provided, single submitter. Criteria: Invitae Variant Classification Sherloc (09022015). Collection method: clinical testing. Allele origin: germline.

Blueprint Genetics
Classification: Benign. Last evaluated: 2024-10-04. Review status: criteria provided, single submitter. Criteria: ACMG Guidelines, 2015. Collection method: clinical testing. Allele origin: germline.

Illumina Laboratory Services, Illumina
Classification: Uncertain significance for Asphyxiating thoracic dystrophy 5. Last evaluated: 2018-01-13. Review status: criteria provided, single submitter. Criteria: ICSL Variant Classification Criteria 13 December 2019. Collection method: clinical testing. Allele origin: germline.

Illumina Laboratory Services, Illumina
Classification: Likely benign for Cranioectodermal dysplasia 4. Last evaluated: 2018-01-13. Review status: criteria provided, single submitter. Criteria: ICSL Variant Classification Criteria 13 December 2019. Collection method: clinical testing. Allele origin: germline.
Comment: This variant was observed in the ICSL laboratory as part of a predisposition screen in an ostensibly healthy population. It had not been previously curated by ICSL or reported in the Human Gene Mutation Database (HGMD: prior to June 1st, 2018), and was therefore a candidate for classification through an automated scoring system. Utilizing variant allele frequency, disease prevalence and penetrance estimates, and inheritance mode, an automated score was calculated to assess if this variant is too frequent to cause the disease. Based on the score and internal cut-off values, a variant classified as likely benign is not then subjected to further curation. The score for this variant resulted in a classification of likely benign for this disease.

NM_025132.4(WDR19):c.6+5A>G

Gene: WDR19 (WD repeat domain 19; plus strand). Cytogenetic location: 4p14.
Variant type: single nucleotide variant.
Coding change: c.6+5A>G on transcript NM_025132.4 (MANE Select); 5 bases into the intron after coding-DNA position 6, A replaced by G.
Molecular consequence: intron variant.
Genome position (GRCh38, 1-based): chr4:39,182,568, A>G. VCF-style: chr4-39182568-A-G. GRCh37 (hg19) VCF-style: chr4-39184188-A-G.
Other names: c.-359+5A>G (NM_001317924.2).
Identifiers: ClinVar variation 348723 (VCV000348723.14), dbSNP rs201198839, ClinGen allele CA2891496.